The following is an entry in ClinVar:

NM_017999.5(RNF31):c.853C>G (p.Leu285Val)

Gene: RNF31 (ring finger protein 31; plus strand). Cytogenetic location: 14q12.
Variant type: single nucleotide variant.
Coding change: c.853C>G on transcript NM_017999.5 (MANE Select); coding-DNA position 853, C replaced by G.
Protein change: p.Leu285Val; replaces leucine 285 with valine.
Molecular consequence: missense variant.
Genome position (GRCh38, 1-based): chr14:24,150,104, C>G. VCF-style: chr14-24150104-C-G. GRCh37 (hg19) VCF-style: chr14-24619313-C-G.
Other names: c.400C>G, p.Leu134Val (NM_001310332.2); short protein forms L134V, L285V.
Identifiers: ClinVar variation 2126496 (VCV002126496.4), dbSNP rs760003323, ClinGen allele CA7125649.
Genomic context (GRCh38, chr14:24,150,104, plus strand): 5'-CTGCTTTTCCATTACAGTTTACCTGCCTCAGCCCAACCACGGCCCCAGTCGACCTCCCTG[C>G]TGGCCCTGGGAGACAGCTCTCTTTCTTCCCCTAATCCTGCAAGTGCTCATTTGCCCTGGC-3'
Protein context (NP_060469.4, residues 275-295): AQPRPQSTSL[Leu285Val]ALGDSSLSSP

ClinVar aggregate classification (germline): Uncertain significance (1 of 4 stars; one submission).

Allele frequency attached by ClinVar (database versions not stated): gnomAD 0.00001; gnomAD exomes 0.00001; ExAC 0.00003.
gnomAD v4.1: 4 of 1,600,792 alleles (0.00025%); highest among the groups gnomAD compares: Non-Finnish European, 0.00034%; no homozygotes.

Submission:

Labcorp Genetics (formerly Invitae), Labcorp
Classification: Uncertain significance. Last evaluated: 2022-04-15. Review status: criteria provided, single submitter. Criteria: Invitae Variant Classification Sherloc (09022015). Collection method: clinical testing. Allele origin: germline.
Comment: In summary, the available evidence is currently insufficient to determine the role of this variant in disease. Therefore, it has been classified as a Variant of Uncertain Significance. Algorithms developed to predict the effect of missense changes on protein structure and function (SIFT, PolyPhen-2, Align-GVGD) all suggest that this variant is likely to be tolerated. This variant has not been reported in the literature in individuals affected with RNF31-related conditions. This variant is present in population databases (rs760003323, gnomAD 0.002%). This sequence change replaces leucine, which is neutral and non-polar, with valine, which is neutral and non-polar, at codon 285 of the RNF31 protein (p.Leu285Val).